The following is an entry in ClinVar:

NM_025114.4(CEP290):c.340C>T (p.Arg114Cys)

Gene: CEP290 (centrosomal protein 290; minus strand). Cytogenetic location: 12q21.32.
Variant type: single nucleotide variant.
Coding change: c.340C>T on transcript NM_025114.4 (MANE Select); coding-DNA position 340, C replaced by T.
Protein change: p.Arg114Cys; replaces arginine 114 with cysteine.
Molecular consequence: missense variant.
Genome position (GRCh38, 1-based): chr12:88,136,744, G>A on the plus strand (C>T on the coding strand, the complement: CEP290 is on the minus strand). VCF-style: chr12-88136744-G-A. GRCh37 (hg19) VCF-style: chr12-88530521-G-A.
Other names: short protein forms R114C.
Identifiers: ClinVar variation 4988321 (VCV004988321.1).

ClinVar aggregate classification (germline): Uncertain significance (1 of 4 stars; one submission).

Conditions:
CEP290-related disorder. Also called: CEP290-related condition; CEP290-related disorders. Identifiers: MedGen CN239314.

Submission:

PreventionGenetics, part of Exact Sciences
Classification: Uncertain significance for CEP290-related condition. Last evaluated: 2026-09-15. Review status: criteria provided, single submitter. Criteria: ACMG Guidelines, 2015. Collection method: clinical testing. Allele origin: germline.
Comment: The CEP290 c.340C>T variant is predicted to result in the amino acid substitution p.Arg114Cys. To our knowledge, this variant has not been reported in the literature. This variant is reported in 0.0033% of alleles in individuals of South Asian descent in gnomAD. At this time, the clinical significance of this variant is uncertain due to the absence of conclusive functional and genetic evidence.